The following is an entry in ClinVar:

NM_002778.4(PSAP):c.1097G>C (p.Ser366Thr)

Gene: PSAP (prosaposin; minus strand). Cytogenetic location: 10q22.1.
Variant type: single nucleotide variant.
Coding change: c.1097G>C on transcript NM_002778.4 (MANE Select); coding-DNA position 1097, G replaced by C.
Protein change: p.Ser366Thr; replaces serine 366 with threonine.
Molecular consequence: missense variant.
Genome position (GRCh38, 1-based): chr10:71,819,809, C>G on the plus strand (G>C on the coding strand, the complement: PSAP is on the minus strand). VCF-style: chr10-71819809-C-G. GRCh37 (hg19) VCF-style: chr10-73579566-C-G.
Other names: c.1106G>C, p.Ser369Thr (NM_001042465.3); c.1103G>C, p.Ser368Thr (NM_001042466.3); short protein forms S369T, S366T, S368T.
Identifiers: ClinVar variation 1352143 (VCV001352143.6), dbSNP rs775563822, ClinGen allele CA5547481.

ClinVar aggregate classification (germline): Uncertain significance (1 of 4 stars; one submission).

Conditions:
Sphingolipid activator protein 1 deficiency. Also called: METACHROMATIC LEUKODYSTROPHY DUE TO CEREBROSIDE SULFATASE ACTIVATOR DEFICIENCY; Saposin B Deficiency; Metachromatic leukodystrophy due to saposin B deficiency. Identifiers: Orphanet 512, MedGen C0268262, MONDO:0009590, OMIM 249900.

Allele frequency attached by ClinVar (database versions not stated): gnomAD exomes below 0.00001 and 0.00002; ExAC 0.00001; gnomAD 0.00001; TOPMed 0.00002.

Submission:

Labcorp Genetics (formerly Invitae), Labcorp
Classification: Uncertain significance for Sphingolipid activator protein 1 deficiency. Last evaluated: 2024-10-23. Review status: criteria provided, single submitter. Criteria: Invitae Variant Classification Sherloc (09022015). Collection method: clinical testing. Allele origin: germline.
Comment: This sequence change replaces serine with threonine at codon 366 of the PSAP protein (p.Ser366Thr). The serine residue is weakly conserved and there is a small physicochemical difference between serine and threonine. This variant is present in population databases (rs775563822, gnomAD 0.004%). This variant has not been reported in the literature in individuals affected with PSAP-related conditions. ClinVar contains an entry for this variant (Variation ID: 1352143). Invitae Evidence Modeling of protein sequence and biophysical properties (such as structural, functional, and spatial information, amino acid conservation, physicochemical variation, residue mobility, and thermodynamic stability) indicates that this missense variant is not expected to disrupt PSAP protein function with a negative predictive value of 95%. In summary, the available evidence is currently insufficient to determine the role of this variant in disease. Therefore, it has been classified as a Variant of Uncertain Significance.